The following is an entry in ClinVar:

NM_006218.4(PIK3CA):c.1960C>G (p.Leu654Val)

Gene: PIK3CA (phosphatidylinositol-4,5-bisphosphate 3-kinase catalytic subunit alpha; plus strand). Cytogenetic location: 3q26.32.
Variant type: single nucleotide variant.
Coding change: c.1960C>G on transcript NM_006218.4 (MANE Select); coding-DNA position 1960, C replaced by G.
Protein change: p.Leu654Val; replaces leucine 654 with valine.
Molecular consequence: missense variant.
Genome position (GRCh38, 1-based): chr3:179,219,997, C>G. VCF-style: chr3-179219997-C-G. GRCh37 (hg19) VCF-style: chr3-178937785-C-G.
Other names: short protein forms L654V.
Identifiers: ClinVar variation 1783422 (VCV001783422.2), dbSNP rs1724929023, ClinGen allele CA355267248.

ClinVar aggregate classification (germline): Uncertain significance (1 of 4 stars; one submission).

Conditions:
Inborn genetic diseases. Identifiers: MedGen C0950123, MeSH D030342.

Allele frequency attached by ClinVar (database versions not stated): gnomAD exomes below 0.00001; TOPMed below 0.00001.
gnomAD v4.1: 2 of 1,602,144 alleles (0.00012%); highest among the groups gnomAD compares: Non-Finnish European, 0.00017%; no homozygotes.

Submission:

Ambry Genetics
Classification: Uncertain significance for Inborn genetic diseases. Last evaluated: 2022-06-12. Review status: criteria provided, single submitter. Criteria: Ambry Variant Classification Scheme 2023. Collection method: clinical testing. Allele origin: germline.
Comment: The p.L654V variant (also known as c.1960C>G), located in coding exon 12 of the PIK3CA gene, results from a C to G substitution at nucleotide position 1960. The leucine at codon 654 is replaced by valine, an amino acid with highly similar properties. This amino acid position is conserved. In addition, this alteration is predicted to be deleterious by in silico analysis. Since supporting evidence is limited at this time, the clinical significance of this alteration remains unclear.